The following is an entry in ClinVar:

NM_153766.3(KCNJ1):c.163G>T (p.Asp55Tyr)

Gene: KCNJ1 (potassium inwardly rectifying channel subfamily J member 1; minus strand). Cytogenetic location: 11q24.3.
Variant type: single nucleotide variant.
Coding change: c.163G>T on transcript NM_153766.3 (MANE Select); coding-DNA position 163, G replaced by T.
Protein change: p.Asp55Tyr; replaces aspartic acid 55 with tyrosine.
Molecular consequence: missense variant.
Genome position (GRCh38, 1-based): chr11:128,840,081, C>A on the plus strand (G>T on the coding strand, the complement: KCNJ1 is on the minus strand). VCF-style: chr11-128840081-C-A. GRCh37 (hg19) VCF-style: chr11-128709976-C-A.
Other names: c.220G>T, p.Asp74Tyr (NM_000220.6); c.163G>T, p.Asp55Tyr (NM_153764.3, NM_153767.4); c.214G>T, p.Asp72Tyr (NM_153765.3); short protein forms D55Y, D74Y, D72Y.
Identifiers: ClinVar variation 2735790 (VCV002735790.4), dbSNP rs2497573022, ClinGen allele CA383247010.

ClinVar aggregate classification (germline): Pathogenic. Review status: criteria provided, multiple submitters, no conflicts (2 of 4 stars). 2 submissions from 2 submitters: Pathogenic (2). Last evaluated 2024-01-29.

Conditions:
KCNJ1-related disorders.

Submissions (2):

Labcorp Genetics (formerly Invitae), Labcorp
Classification: Pathogenic. Last evaluated: 2024-01-29. Review status: criteria provided, single submitter. Criteria: Invitae Variant Classification Sherloc (09022015). Collection method: clinical testing. Allele origin: germline.
Comment: This sequence change replaces aspartic acid, which is acidic and polar, with tyrosine, which is neutral and polar, at codon 74 of the KCNJ1 protein (p.Asp74Tyr). This variant is not present in population databases (gnomAD no frequency). This missense change has been observed in individual(s) with clinical features of Bartter syndrome (PMID: 9002665, 10049979). In at least one individual the data is consistent with being in trans (on the opposite chromosome) from a pathogenic variant. It has also been observed to segregate with disease in related individuals. An algorithm developed to predict the effect of missense changes on protein structure and function (PolyPhen-2) suggests that this variant is likely to be disruptive. Experimental studies have shown that this missense change affects KCNJ1 function (PMID: 10611379, 12086641, 12911542). For these reasons, this variant has been classified as Pathogenic.

Blueprint Genetics
Classification: Pathogenic for KCNJ1-related disorders. Last evaluated: 2019-03-29. Review status: criteria provided, single submitter. Criteria: ACMG Guidelines, 2015. Collection method: clinical testing. Allele origin: germline. Affected: yes. Observed: 1 variant allele.

Literature cited by the submitters: PubMed 9002665 (cited by Labcorp Genetics (formerly Invitae), Labcorp); PubMed 10049979 (cited by Labcorp Genetics (formerly Invitae), Labcorp); PubMed 10611379 (cited by Labcorp Genetics (formerly Invitae), Labcorp); PubMed 12086641 (cited by Labcorp Genetics (formerly Invitae), Labcorp); PubMed 12911542 (cited by Labcorp Genetics (formerly Invitae), Labcorp).